The following is an entry in ClinVar:

NM_006005.3(WFS1):c.753dup (p.Lys252Ter)

Gene: WFS1 (wolframin ER transmembrane glycoprotein; plus strand). Cytogenetic location: 4p16.1.
Variant type: Duplication.
Coding change: c.753dup on transcript NM_006005.3 (MANE Select); coding-DNA position 753, one base duplicated (T; older notation c.753dupT).
Protein change: p.Lys252Ter; replaces lysine 252 with a stop codon.
Molecular consequence: nonsense.
Genome position (GRCh38, 1-based): chr4:6,295,081, T duplicated. VCF-style (leftmost placement, unchanged base first): chr4-6295080-C-CT. GRCh37 (hg19) VCF-style: chr4-6296807-C-CT.
Other names: c.753dup, p.Lys252Ter (NM_001145853.1); short protein forms K252*.
Identifiers: ClinVar variation 1698359 (VCV001698359.2), dbSNP rs2109119524, ClinGen allele CA2580071775.
Genomic context (GRCh38, chr4:6,295,080, plus strand): 5'-CTGTTTTCTCTCATGCTTCAGCCAAGAACTACATCGCGCTGGATGACTTTGTGGAGATCA[C>CT]TAAGAAGTACGCCAAGGGCGTCATCCCCAGCAGCCTGTTCCTGCAGGACGACGAAGATGA-3'

ClinVar aggregate classification (germline): Likely pathogenic (1 of 4 stars; one submission).

Submission:

GeneDx
Classification: Likely pathogenic. Last evaluated: 2022-01-24. Review status: criteria provided, single submitter. Criteria: GeneDx Variant Classification Process June 2021. Collection method: clinical testing. Allele origin: germline. Affected: yes.
Comment: Nonsense variant predicted to result in protein truncation or nonsense mediated decay in a gene for which loss-of-function is a known mechanism of disease; Not observed at significant frequency in large population cohorts (gnomAD); Has not been previously published as pathogenic or benign to our knowledge